The following is an entry in ClinVar:

NM_001903.5(CTNNA1):c.2298+4_2298+5del

Gene: CTNNA1 (catenin alpha 1; plus strand). Cytogenetic location: 5q31.2.
Variant type: Deletion.
Coding change: c.2298+4_2298+5del on transcript NM_001903.5 (MANE Select); bases 4 to 5 of the intron after coding-DNA position 2298, 2 bases deleted (AG; older notation c.2298+4_2298+5delAG).
Molecular consequence: intron variant.
Genome position (GRCh38, 1-based): chr5:138,930,939-138,930,940, AG deleted. VCF-style (leftmost placement, unchanged base first): chr5-138930938-AAG-A. GRCh37 (hg19) VCF-style: chr5-138266627-AAG-A.
Other names: c.2298+4_2298+5del (NM_001323982.2, NM_001323984.2, NM_001290307.3 and 2 more transcripts); c.2205+4_2205+5del (NM_001323986.2); c.1929+4_1929+5del (NM_001290310.3); c.1989+4_1989+5del (NM_001290309.3); c.1188+4_1188+5del (NM_001323996.1, NM_001323993.1, NM_001324005.1 and 17 more transcripts); c.849+4_849+5del (NM_001324007.1, NM_001324009.1, NM_001324006.1 and 2 more transcripts); c.945+4_945+5del (NM_001324013.1, NM_001324012.1); c.1095+4_1095+5del (NM_001324011.1).
Identifiers: ClinVar variation 2864166 (VCV002864166.3), dbSNP rs2533862729, ClinGen allele CA2739275092.

ClinVar aggregate classification (germline): Uncertain significance (1 of 4 stars; one submission).

Submission:

Labcorp Genetics (formerly Invitae), Labcorp
Classification: Uncertain significance. Last evaluated: 2023-05-14. Review status: criteria provided, single submitter. Criteria: Invitae Variant Classification Sherloc (09022015). Collection method: clinical testing. Allele origin: germline.
Comment: In summary, the available evidence is currently insufficient to determine the role of this variant in disease. Therefore, it has been classified as a Variant of Uncertain Significance. This sequence change falls in intron 16 of the CTNNA1 gene. It does not directly change the encoded amino acid sequence of the CTNNA1 protein. It affects a nucleotide within the consensus splice site. This variant is not present in population databases (gnomAD no frequency). This variant has not been reported in the literature in individuals affected with CTNNA1-related conditions. Variants that disrupt the consensus splice site are a relatively common cause of aberrant splicing (PMID: 17576681, 9536098). Algorithms developed to predict the effect of sequence changes on RNA splicing suggest that this variant may disrupt the consensus splice site.

Literature cited by the submitters: PubMed 17576681; PubMed 9536098.